The following is an entry in ClinVar:

ClinVar aggregate classification (germline): Uncertain significance (1 of 4 stars; one submission).

Submission:

Labcorp Genetics (formerly Invitae), Labcorp
Classification: Uncertain significance. Last evaluated: 2022-06-25. Review status: criteria provided, single submitter. Criteria: Invitae Variant Classification Sherloc (09022015). Collection method: clinical testing. Allele origin: germline.
Comment: In summary, the available evidence is currently insufficient to determine the role of this variant in disease. Therefore, it has been classified as a Variant of Uncertain Significance. This variant has not been reported in the literature in individuals affected with NLRP1-related conditions. This variant is a gross deletion of the genomic region encompassing exon(s) 15-17 of the NLRP1 gene, which includes the termination codon. This deletion extends beyond the assayed region for this gene and therefore may encompass additional genes. While this deletion is not anticipated to lead to nonsense mediated decay, it is expected to alter mRNA translation or result in a truncated protein product.

NC_000017.10:g.(?_5418074)_(5421227_?)del

Gene: NLRP1 (NLR family pyrin domain containing 1; minus strand). Cytogenetic location: 17p13.2.
Variant type: Deletion.
Identifiers: ClinVar variation 2427088 (VCV002427088.4).